The following is an entry in ClinVar:

NM_030665.4(RAI1):c.159G>A (p.Pro53=)

Gene: RAI1 (retinoic acid induced 1; plus strand). Cytogenetic location: 17p11.2.
Variant type: single nucleotide variant.
Coding change: c.159G>A on transcript NM_030665.4 (MANE Select); coding-DNA position 159, G replaced by A.
Protein change: p.Pro53=; no amino-acid change (proline 53 retained).
Molecular consequence: synonymous variant.
Genome position (GRCh38, 1-based): chr17:17,793,107, G>A. VCF-style: chr17-17793107-G-A. GRCh37 (hg19) VCF-style: chr17-17696421-G-A.
Other names: c.159G>A (NM_030665.3).
Identifiers: ClinVar variation 1584313 (VCV001584313.33), dbSNP rs767708787, ClinGen allele CA8418060.
Genomic context (GRCh38, chr17:17,793,107, plus strand): 5'-GAGTCAGGCCGGGCTAAGCTGCGACCGGCAGCGGCTGCTCGCCAAGGACTATTATAACCC[G>A]CAGCCTTACCCGAGCTATGAGGGTGGCGCTGGCACGCCCTCTGGCACTGCAGCCGCGGTG-3'
Protein context (NP_109590.3, residues 43-63): QRLLAKDYYN[Pro53=]QPYPSYEGGA

ClinVar aggregate classification (germline): Likely benign. Review status: criteria provided, multiple submitters, no conflicts (2 of 4 stars). 3 submissions from 3 submitters: Likely benign (3). Last evaluated 2026-02-01.

Conditions:
RAI1-related disorder. Also called: RAI1-related condition.

Allele frequency attached by ClinVar (database versions not stated): ExAC 0.00002; gnomAD exomes 0.00002 and 0.00005.
gnomAD v4.1: 85 of 1,613,966 alleles (0.0053%); highest among the groups gnomAD compares: Non-Finnish European, 0.0058%; no homozygotes.

Submissions (3):

CeGaT Center for Human Genetics Tuebingen
Classification: Likely benign. Last evaluated: 2026-02-01. Review status: criteria provided, single submitter. Criteria: CeGaT Center For Human Genetics Tuebingen Variant Classification Criteria Version 2. Collection method: clinical testing. Allele origin: germline. Affected: yes. Observed: 2 variant alleles.
Comment: RAI1: BP4, BP7

Labcorp Genetics (formerly Invitae), Labcorp
Classification: Likely benign. Last evaluated: 2025-08-08. Review status: criteria provided, single submitter. Criteria: Invitae Variant Classification Sherloc (09022015). Collection method: clinical testing. Allele origin: germline.

PreventionGenetics, part of Exact Sciences
Classification: Likely benign for RAI1-related condition. Last evaluated: 2024-12-02. Review status: criteria provided, single submitter. Criteria: ACMG Guidelines, 2015. Collection method: clinical testing. Allele origin: germline.
Comment: This variant is classified as likely benign based on ACMG/AMP sequence variant interpretation guidelines (Richards et al. 2015 PMID: 25741868, with internal and published modifications).